The following is an entry in ClinVar:

ClinVar aggregate classification (germline): Uncertain significance (0 of 4 stars; one submission).

Conditions:
SIM1-related disorder. Also called: SIM1-related condition; SIM1-related disorders.

gnomAD v4.1: 9 of 1,613,844 alleles (0.00056%); highest among the groups gnomAD compares: African/African-American, 0.012%; no homozygotes.

Submission:

PreventionGenetics, part of Exact Sciences
Classification: Uncertain significance for SIM1-related condition. Last evaluated: 2024-03-08. Review status: no assertion criteria provided. Collection method: clinical testing. Allele origin: germline.
Comment: The SIM1 c.1616C>A variant is predicted to result in the amino acid substitution p.Pro539His. To our knowledge, this variant has not been reported in the literature. This variant is reported in 0.012% of alleles in individuals of African descent in gnomAD. At this time, the clinical significance of this variant is uncertain due to the absence of conclusive functional and genetic evidence.

NM_005068.3(SIM1):c.1616C>A (p.Pro539His)

Gene: SIM1 (SIM bHLH transcription factor 1; minus strand). Cytogenetic location: 6q16.3.
Variant type: single nucleotide variant.
Coding change: c.1616C>A on transcript NM_005068.3 (MANE Select); coding-DNA position 1616, C replaced by A.
Protein change: p.Pro539His; replaces proline 539 with histidine.
Molecular consequence: missense variant.
Genome position (GRCh38, 1-based): chr6:100,391,046, G>T on the plus strand (C>A on the coding strand, the complement: SIM1 is on the minus strand). VCF-style: chr6-100391046-G-T. GRCh37 (hg19) VCF-style: chr6-100838922-G-T.
Other names: c.1616C>A, p.Pro539His (NM_001374769.1); short protein forms P539H.
Identifiers: ClinVar variation 3358157 (VCV003358157.1).